The following is an entry in ClinVar:

ClinVar aggregate classification (germline): Uncertain significance (1 of 4 stars; one submission).

Allele frequency attached by ClinVar (database versions not stated): TOPMed below 0.00001; ExAC 0.00001; gnomAD exomes 0.00002.
gnomAD v4.1: 24 of 1,614,196 alleles (0.0015%); highest among the groups gnomAD compares: Non-Finnish European, 0.0019%; no homozygotes.

Submission:

Labcorp Genetics (formerly Invitae), Labcorp
Classification: Uncertain significance. Last evaluated: 2023-10-23. Review status: criteria provided, single submitter. Criteria: Invitae Variant Classification Sherloc (09022015). Collection method: clinical testing. Allele origin: germline.
Comment: This sequence change replaces arginine, which is basic and polar, with cysteine, which is neutral and slightly polar, at codon 1689 of the FLNB protein (p.Arg1689Cys). This variant is present in population databases (rs762205881, gnomAD 0.0009%). This variant has not been reported in the literature in individuals affected with FLNB-related conditions. Advanced modeling of protein sequence and biophysical properties (such as structural, functional, and spatial information, amino acid conservation, physicochemical variation, residue mobility, and thermodynamic stability) performed at Invitae indicates that this missense variant is not expected to disrupt FLNB protein function with a negative predictive value of 95%. In summary, the available evidence is currently insufficient to determine the role of this variant in disease. Therefore, it has been classified as a Variant of Uncertain Significance.

NM_001457.4(FLNB):c.5065C>T (p.Arg1689Cys)

Gene: FLNB (filamin B; plus strand). Cytogenetic location: 3p14.3.
Variant type: single nucleotide variant.
Coding change: c.5065C>T on transcript NM_001457.4 (MANE Select); coding-DNA position 5065, C replaced by T.
Protein change: p.Arg1689Cys; replaces arginine 1689 with cysteine.
Molecular consequence: missense variant.
Genome position (GRCh38, 1-based): chr3:58,138,485, C>T. VCF-style: chr3-58138485-C-T. GRCh37 (hg19) VCF-style: chr3-58124212-C-T.
Other names: c.5158C>T, p.Arg1720Cys (NM_001164317.2); c.5065C>T, p.Arg1689Cys (NM_001164318.2, NM_001164319.2); short protein forms R1720C, R1689C.
Identifiers: ClinVar variation 2983951 (VCV002983951.3), dbSNP rs762205881, ClinGen allele CA2468937.